The following is an entry in ClinVar:

ClinVar aggregate classification (germline): Uncertain significance (1 of 4 stars; one submission).

Conditions:
Cowden syndrome 6 (CWS6). Identifiers: Orphanet 201, MedGen C3554519, MONDO:0014048, OMIM 615109.

Submission:

Labcorp Genetics (formerly Invitae), Labcorp
Classification: Uncertain significance for Cowden syndrome 6. Last evaluated: 2022-04-05. Review status: criteria provided, single submitter. Criteria: Invitae Variant Classification Sherloc (09022015). Collection method: clinical testing. Allele origin: germline.
Comment: In summary, the available evidence is currently insufficient to determine the role of this variant in disease. Therefore, it has been classified as a Variant of Uncertain Significance. Algorithms developed to predict the effect of sequence changes on RNA splicing suggest that this variant may create or strengthen a splice site. This variant has not been reported in the literature in individuals affected with AKT1-related conditions. This variant is not present in population databases (gnomAD no frequency). This sequence change falls in intron 4 of the AKT1 gene. It does not directly change the encoded amino acid sequence of the AKT1 protein.

NM_001382430.1(AKT1):c.288-28_288-9dup

Gene: AKT1 (AKT serine/threonine kinase 1; minus strand). Cytogenetic location: 14q32.33.
Variant type: Duplication.
Coding change: c.288-28_288-9dup on transcript NM_001382430.1 (MANE Select); 28 bases into the intron before coding-DNA position 288 through 9 bases into the intron before coding-DNA position 288, 20 bases duplicated (GCCTGCAGCCTCACCTGACC).
Molecular consequence: intron variant.
Genome position (GRCh38, 1-based): chr14:104,775,808-104,775,827, GGTCAGGTGAGGCTGCAGGC duplicated on the plus strand (GCCTGCAGCCTCACCTGACC on the coding strand, the reverse complement: AKT1 is on the minus strand). VCF-style (leftmost placement, unchanged base first): chr14-104775807-A-AGGTCAGGTGAGGCTGCAGGC. GRCh37 (hg19) VCF-style: chr14-105242144-A-AGGTCAGGTGAGGCTGCAGGC.
Other names: c.288-28_288-9dup (NM_001014431.2, NM_001014432.2, NM_001382433.1 and 3 more transcripts).
Identifiers: ClinVar variation 2156256 (VCV002156256.4), dbSNP rs2542150317, ClinGen allele CA2580088488.